The following is an entry in ClinVar:

NM_198060.4(NRAP):c.4251C>T (p.Ile1417=)

Gene: NRAP (nebulin related anchoring protein; minus strand). Cytogenetic location: 10q25.3.
Variant type: single nucleotide variant.
Coding change: c.4251C>T on transcript NM_198060.4 (MANE Select); coding-DNA position 4251, C replaced by T.
Protein change: p.Ile1417=; no amino-acid change (isoleucine 1417 retained).
Molecular consequence: synonymous variant.
Genome position (GRCh38, 1-based): chr10:113,598,050, G>A on the plus strand (C>T on the coding strand, the complement: NRAP is on the minus strand). VCF-style: chr10-113598050-G-A. GRCh37 (hg19) VCF-style: chr10-115357809-G-A.
Other names: c.4251C>T, p.Ile1417= (NM_001261463.2); c.4143C>T, p.Ile1381= (NM_001322945.2); c.4146C>T, p.Ile1382= (NM_006175.5).
Identifiers: ClinVar variation 3895451 (VCV003895451.1), dbSNP rs147795113.

ClinVar aggregate classification (germline): Likely benign (1 of 4 stars; one submission).

gnomAD v4.1: 65 of 1,613,392 alleles (0.004%); highest among the groups gnomAD compares: African/African-American, 0.045%; 1 homozygote.

Submission:

Molecular Diagnostic Laboratory for Inherited Cardiovascular Disease, Montreal Heart Institute
Classification: Likely benign. Last evaluated: 2025-04-09. Review status: criteria provided, single submitter. Criteria: ACMG Guidelines, 2015. Collection method: clinical testing. Allele origin: germline. Affected: no.
Comment: BP7